The following is an entry in ClinVar:

NM_005898.5(CAPRIN1):c.1432A>G (p.Thr478Ala)

Gene: CAPRIN1 (cell cycle associated protein 1; plus strand). Cytogenetic location: 11p13.
Variant type: single nucleotide variant.
Coding change: c.1432A>G on transcript NM_005898.5 (MANE Select); coding-DNA position 1432, A replaced by G.
Protein change: p.Thr478Ala; replaces threonine 478 with alanine.
Molecular consequence: missense variant.
Genome position (GRCh38, 1-based): chr11:34,090,556, A>G. VCF-style: chr11-34090556-A-G. GRCh37 (hg19) VCF-style: chr11-34112103-A-G.
Other names: c.1432A>G, p.Thr478Ala (NM_203364.3); short protein forms T478A.
Identifiers: ClinVar variation 2632297 (VCV002632297.1), dbSNP rs2496097139, ClinGen allele CA380030072.

ClinVar aggregate classification (germline): Uncertain significance (1 of 4 stars; one submission).

Conditions:
CAPRIN1-related disorder. Also called: CAPRIN1-related condition.

Allele frequency attached by ClinVar (database versions not stated): gnomAD exomes below 0.00001.

Submission:

PreventionGenetics, part of Exact Sciences
Classification: Uncertain significance for CAPRIN1-related condition. Last evaluated: 2023-07-19. Review status: criteria provided, single submitter. Criteria: ACMG Guidelines, 2015. Collection method: clinical testing. Allele origin: germline.
Comment: The CAPRIN1 c.1432A>G variant is predicted to result in the amino acid substitution p.Thr478Ala. To our knowledge, this variant has not been reported in the literature or in a large population database, indicating this variant is rare. At this time, the clinical significance of this variant is uncertain due to the absence of conclusive functional and genetic evidence.